The following is an entry in ClinVar:

ClinVar aggregate classification (germline): Uncertain significance (1 of 4 stars; one submission).

gnomAD v4.1: 1 of 1,614,106 alleles (0.000062%); highest among the groups gnomAD compares: Middle Eastern, 0.016%; no homozygotes.

Submission:

GeneDx
Classification: Uncertain significance. Last evaluated: 2019-12-17. Review status: criteria provided, single submitter. Criteria: GeneDx Variant Classification Process June 2021. Collection method: clinical testing. Allele origin: germline. Affected: yes.
Comment: Not observed in large population cohorts (Lek et al., 2016); In silico analysis, which includes protein predictors and evolutionary conservation, supports a deleterious effect; Has not been previously published as pathogenic or benign to our knowledge; In silico analysis, which includes splice predictors and evolutionary conservation, suggests this variant may impact gene splicing. In the absence of RNA/functional studies, the actual effect of this sequence change is unknown.

NM_001256864.2(DNAJC6):c.2086T>G (p.Trp696Gly)

Gene: DNAJC6 (DnaJ heat shock protein family (Hsp40) member C6; plus strand). Cytogenetic location: 1p31.3.
Variant type: single nucleotide variant.
Coding change: c.2086T>G on transcript NM_001256864.2 (MANE Select); coding-DNA position 2086, T replaced by G.
Protein change: p.Trp696Gly; replaces tryptophan 696 with glycine.
Molecular consequence: missense variant.
Genome position (GRCh38, 1-based): chr1:65,398,860, T>G. VCF-style: chr1-65398860-T-G. GRCh37 (hg19) VCF-style: chr1-65864543-T-G.
Other names: c.1876T>G, p.Trp626Gly (NM_001256865.2); c.1915T>G, p.Trp639Gly (NM_014787.4); short protein forms W626G, W639G, W696G.
Identifiers: ClinVar variation 1311281 (VCV001311281.2), dbSNP rs1462099424, ClinGen allele CA340691620.